The following is an entry in ClinVar:

ClinVar aggregate classification (germline): Uncertain significance (1 of 4 stars; one submission).

Conditions:
Hereditary cancer-predisposing syndrome. Also called: Neoplastic Syndromes, Hereditary; Tumor predisposition; Hereditary neoplastic syndrome; Hereditary Cancer Syndrome. Identifiers: Orphanet 140162, MedGen C0027672, MeSH D009386, MONDO:0015356.

Submission:

Ambry Genetics
Classification: Uncertain significance for Hereditary cancer-predisposing syndrome. Last evaluated: 2024-01-01. Review status: criteria provided, single submitter. Criteria: Ambry Variant Classification Scheme 2023. Collection method: clinical testing. Allele origin: germline.
Comment: The p.R976S variant (also known as c.2928A>T), located in coding exon 15 of the APC gene, results from an A to T substitution at nucleotide position 2928. The arginine at codon 976 is replaced by serine, an amino acid with dissimilar properties. This amino acid position is conserved. In addition, in silico predictors for this gene do not accurately predict pathogenicity. Since supporting evidence is limited at this time, the clinical significance of this alteration remains unclear.

NM_000038.6(APC):c.2928A>T (p.Arg976Ser)

Gene: APC (APC regulator of Wnt signaling pathway; plus strand). Cytogenetic location: 5q22.2.
Variant type: single nucleotide variant.
Coding change: c.2928A>T on transcript NM_000038.6 (MANE Select); coding-DNA position 2928, A replaced by T.
Protein change: p.Arg976Ser; replaces arginine 976 with serine.
Molecular consequence: missense variant. On other transcripts: non-coding transcript variant (2).
Genome position (GRCh38, 1-based): chr5:112,838,522, A>T. VCF-style: chr5-112838522-A-T. GRCh37 (hg19) VCF-style: chr5-112174219-A-T.
Other names: c.2928A>T, p.Arg976Ser (NM_001127510.3, NM_001354895.2, NM_001407450.1); c.2874A>T, p.Arg958Ser (NM_001127511.3); c.2982A>T, p.Arg994Ser (NM_001354896.2, NM_001407447.1, NM_001407448.1 and 1 more transcripts); c.2958A>T, p.Arg986Ser (NM_001354897.2); c.2853A>T, p.Arg951Ser (NM_001354898.2); c.2844A>T, p.Arg948Ser (NM_001354899.2); c.2805A>T, p.Arg935Ser (NM_001354900.2); c.2751A>T, p.Arg917Ser (NM_001354901.2, NM_001407453.1); and 11 more; short protein forms R1004S, R592S, R693S, R816S, R847S, R850S, R875S, R885S.
Identifiers: ClinVar variation 3226975 (VCV003226975.1), dbSNP rs2149880387, ClinGen allele CA16027728.